The following is an entry in ClinVar:

ClinVar aggregate classification (germline): Benign (1 of 4 stars; one submission).

Conditions:
Familial visceral amyloidosis, Ostertag type (AMYLD2). Also called: Familial visceral amyloidosis; Hereditary Renal Amyloidosis; AMYLOIDOSIS VIII; Amyloidosis, hepatic and systemic; Ostertag type amyloidosis; AMYLOIDOSIS, HEREDITARY SYSTEMIC 2. Identifiers: Orphanet 85450, MedGen C0268389, MONDO:0007099, OMIM 105200.

Allele frequency attached by ClinVar (database versions not stated): 1000 Genomes Project 0.00300; 1000 Genomes Project 30x 0.00375; TOPMed 0.00378.
gnomAD v4.1: 541 of 332,832 alleles (0.16%); highest among the groups gnomAD compares: African/African-American, 2%; 3 homozygotes.

Submission:

Illumina Laboratory Services, Illumina
Classification: Benign for Familial visceral amyloidosis, Ostertag type. Last evaluated: 2018-01-13. Review status: criteria provided, single submitter. Criteria: ICSL Variant Classification Criteria 13 December 2019. Collection method: clinical testing. Allele origin: germline.
Comment: This variant was observed in the ICSL laboratory as part of a predisposition screen in an ostensibly healthy population. It had not been previously curated by ICSL or reported in the Human Gene Mutation Database (HGMD: prior to June 1st, 2018), and was therefore a candidate for classification through an automated scoring system. Utilizing variant allele frequency, disease prevalence and penetrance estimates, and inheritance mode, an automated score was calculated to assess if this variant is too frequent to cause the disease. Based on the score and internal cut-off values, a variant classified as benign is not then subjected to further curation. The score for this variant resulted in a classification of benign for this disease.

NM_000239.3(LYZ):c.*266G>A

Gene: LYZ (lysozyme; plus strand). Cytogenetic location: 12q15.
Variant type: single nucleotide variant.
Coding change: c.*266G>A on transcript NM_000239.3 (MANE Select); 266 bases downstream of the stop codon, G replaced by A.
Molecular consequence: 3 prime UTR variant.
Genome position (GRCh38, 1-based): chr12:69,353,485, G>A. VCF-style: chr12-69353485-G-A. GRCh37 (hg19) VCF-style: chr12-69747265-G-A.
Identifiers: ClinVar variation 881352 (VCV000881352.4), dbSNP rs188313797, ClinGen allele CA238507160.